The following is an entry in ClinVar:

NM_001256789.3(CACNA1F):c.498_502del (p.Asp167fs)

Gene: CACNA1F (calcium voltage-gated channel subunit alpha1 F; minus strand). Cytogenetic location: Xp11.23.
Variant type: Deletion.
Coding change: c.498_502del on transcript NM_001256789.3 (MANE Select); coding-DNA positions 498 to 502, 5 bases deleted (CGACT; older notation c.498_502delCGACT).
Protein change: p.Asp167fs; shifts the reading frame from aspartic acid 167.
Molecular consequence: frameshift variant.
Genome position (GRCh38, 1-based): chrX:49,230,869-49,230,873, AGTCG deleted on the plus strand (CGACT on the coding strand, the reverse complement: CACNA1F is on the minus strand); deleting any 5 consecutive bases within chrX:49,230,869-49,230,876 gives the same sequence; the c. name uses the placement nearest the transcript's 3' end. VCF-style (leftmost placement, unchanged base first): chrX-49230868-AAGTCG-A. GRCh37 (hg19) VCF-style: chrX-49087330-AAGTCG-A.
Other names: c.303_307del, p.Asp102fs (NM_001256790.3); c.498_502del, p.Asp167fs (NM_005183.4); short protein forms D102fs, D167fs.
Identifiers: ClinVar variation 2038733 (VCV002038733.4), dbSNP rs2519139379, ClinGen allele CA2580101125.

ClinVar aggregate classification (germline): Pathogenic (1 of 4 stars; one submission).

Submission:

Labcorp Genetics (formerly Invitae), Labcorp
Classification: Pathogenic. Last evaluated: 2025-07-30. Review status: criteria provided, single submitter. Criteria: Invitae Variant Classification Sherloc (09022015). Collection method: clinical testing. Allele origin: germline.
Comment: This sequence change creates a premature translational stop signal (p.Asp167Hisfs*130) in the CACNA1F gene. It is expected to result in an absent or disrupted protein product. Loss-of-function variants in CACNA1F are known to be pathogenic (PMID: 9662399, 11281458, 17525176, 22194652, 24124559, 26992781). This variant is not present in population databases (gnomAD no frequency). This variant has not been reported in the literature in individuals affected with CACNA1F-related conditions. ClinVar contains an entry for this variant (Variation ID: 2038733). For these reasons, this variant has been classified as Pathogenic.

Literature cited by the submitters: PubMed 9662399; PubMed 11281458; PubMed 17525176; PubMed 22194652; PubMed 24124559; PubMed 26992781.